The following is an entry in ClinVar:

NM_001135651.3(EIF2AK2):c.1542T>C (p.Leu514=)

Gene: EIF2AK2 (eukaryotic translation initiation factor 2 alpha kinase 2; minus strand). Cytogenetic location: 2p22.2.
Variant type: single nucleotide variant.
Coding change: c.1542T>C on transcript NM_001135651.3 (MANE Select); coding-DNA position 1542, T replaced by C.
Protein change: p.Leu514=; no amino-acid change (leucine 514 retained).
Molecular consequence: synonymous variant.
Genome position (GRCh38, 1-based): chr2:37,107,387, A>G on the plus strand (T>C on the coding strand, the complement: EIF2AK2 is on the minus strand). VCF-style: chr2-37107387-A-G. GRCh37 (hg19) VCF-style: chr2-37334530-A-G.
Other names: c.1419T>C, p.Leu473= (NM_001135652.3); c.1542T>C, p.Leu514= (NM_002759.4).
Identifiers: ClinVar variation 3771786 (VCV003771786.13).

ClinVar aggregate classification (germline): Likely benign (1 of 4 stars; one submission).

gnomAD v4.1: 131 of 1,613,522 alleles (0.0081%); highest among the groups gnomAD compares: Non-Finnish European, 0.011%; no homozygotes.

Submission:

CeGaT Center for Human Genetics Tuebingen
Classification: Likely benign. Last evaluated: 2025-04-01. Review status: criteria provided, single submitter. Criteria: CeGaT Center For Human Genetics Tuebingen Variant Classification Criteria Version 2. Collection method: clinical testing. Allele origin: germline. Affected: yes. Observed: 2 variant alleles.
Comment: EIF2AK2: BP4, BP7